The following is an entry in ClinVar:

NM_145868.2(ANXA11):c.744+10G>A

Gene: ANXA11 (annexin A11; minus strand). Cytogenetic location: 10q22.3.
Variant type: single nucleotide variant.
Coding change: c.744+10G>A on transcript NM_145868.2 (MANE Select); 10 bases into the intron after coding-DNA position 744, G replaced by A.
Molecular consequence: intron variant.
Genome position (GRCh38, 1-based): chr10:80,166,880, C>T on the plus strand (G>A on the coding strand, the complement: ANXA11 is on the minus strand). VCF-style: chr10-80166880-C-T. GRCh37 (hg19) VCF-style: chr10-81926636-C-T.
Other names: c.744+10G>A (NM_001278407.2, NM_001157.3, NM_145869.2 and 1 more transcripts); c.645+10G>A (NM_001278409.2).
Identifiers: ClinVar variation 3058073 (VCV003058073.4), dbSNP rs371827409, ClinGen allele CA5576159.

ClinVar aggregate classification (germline): Likely benign. Review status: criteria provided, single submitter (1 of 4 stars). 2 submissions from 2 submitters: Likely benign (1). 1 of the submissions does not count toward it. Last evaluated 2024-09-30.

Conditions:
ANXA11-related disorder. Also called: ANXA11-related condition.

Allele frequency attached by ClinVar (database versions not stated): ExAC 0.00005; gnomAD 0.00005; TOPMed 0.00006; gnomAD exomes 0.00008; ESP Exome Variant Server 0.00023.
gnomAD v4.1: 116 of 1,597,052 alleles (0.0073%); highest among the groups gnomAD compares: African/African-American, 0.0094%; no homozygotes.

Submissions (2):

Labcorp Genetics (formerly Invitae), Labcorp
Classification: Likely benign. Last evaluated: 2024-09-30. Review status: criteria provided, single submitter. Criteria: Invitae Variant Classification Sherloc (09022015). Collection method: clinical testing. Allele origin: germline.

PreventionGenetics, part of Exact Sciences
Classification: Likely benign for ANXA11-related condition. Last evaluated: 2019-02-21. Review status: no assertion criteria provided. Collection method: clinical testing. Allele origin: germline. Not counted in ClinVar's aggregate classification.
Comment: This variant is classified as likely benign based on ACMG/AMP sequence variant interpretation guidelines (Richards et al. 2015 PMID: 25741868, with internal and published modifications).